The following is an entry in ClinVar:

NM_002047.4(GARS1):c.325-292G>T

Gene: GARS1 (glycyl-tRNA synthetase 1; plus strand). Cytogenetic location: 7p14.3.
Variant type: single nucleotide variant.
Coding change: c.325-292G>T on transcript NM_002047.4 (MANE Select); 292 bases into the intron before coding-DNA position 325, G replaced by T.
Molecular consequence: intron variant.
Genome position (GRCh38, 1-based): chr7:30,599,655, G>T. VCF-style: chr7-30599655-G-T. GRCh37 (hg19) VCF-style: chr7-30639271-G-T.
Other names: c.163-292G>T (NM_001316772.1).
Identifiers: ClinVar variation 672603 (VCV000672603.1), dbSNP rs147169899, ClinGen allele CA156099248.

ClinVar aggregate classification (germline): Likely benign (1 of 4 stars; one submission).

Allele frequency attached by ClinVar (database versions not stated): 1000 Genomes Project 0.00260; 1000 Genomes Project 30x 0.00312; TOPMed 0.00833.
gnomAD v4.1: 1,333 of 152,148 alleles (0.88%); highest among the groups gnomAD compares: Non-Finnish European, 1.3%; 8 homozygotes.

Submission:

GeneDx
Classification: Likely benign. Last evaluated: 2018-06-14. Review status: criteria provided, single submitter. Criteria: GeneDx Variant Classification (06012015). Collection method: clinical testing. Allele origin: germline. Affected: yes.
Comment: This variant is considered likely benign or benign based on one or more of the following criteria: it is a conservative change, it occurs at a poorly conserved position in the protein, it is predicted to be benign by multiple in silico algorithms, and/or has population frequency not consistent with disease.